The following is an entry in ClinVar:

NM_001370658.1(BTD):c.1252T>C (p.Tyr418His)

Gene: BTD (biotinidase; plus strand). Cytogenetic location: 3p25.1.
Variant type: single nucleotide variant.
Coding change: c.1252T>C on transcript NM_001370658.1 (MANE Select); coding-DNA position 1252, T replaced by C.
Protein change: p.Tyr418His; replaces tyrosine 418 with histidine.
Molecular consequence: missense variant. On other transcripts: intron variant (8).
Genome position (GRCh38, 1-based): chr3:15,645,168, T>C. VCF-style: chr3-15645168-T-C. GRCh37 (hg19) VCF-style: chr3-15686675-T-C.
Other names: c.1252T>C, p.Tyr418His (NM_001407365.1, NM_001407366.1, NM_001407367.1 and 16 more transcripts); c.1015+237T>C (NM_001370752.1, NM_001407379.1); c.399+3111T>C (NM_001370753.1, NM_001407400.1, NM_001407380.1 and 3 more transcripts); short protein forms Y418H.
Identifiers: ClinVar variation 2744068 (VCV002744068.5), dbSNP rs1279500513, ClinGen allele CA351608527.

ClinVar aggregate classification (germline): Conflicting classifications of pathogenicity. Review status: criteria provided, conflicting classifications (1 of 4 stars). 2 submissions from 2 submitters: Likely pathogenic (1); Uncertain significance (1). Last evaluated 2025-04-21.

Conditions:
Biotinidase deficiency. Also called: BTD deficiency; Late-onset biotin-responsive multiple carboxylase deficiency; Biotin deficiency. Identifiers: Orphanet 79241, MedGen C0220754, MONDO:0009665, OMIM 253260.

Allele frequency attached by ClinVar (database versions not stated): gnomAD exomes below 0.00001; gnomAD 0.00001.
gnomAD v4.1: 2 of 1,614,098 alleles (0.00012%); highest among the groups gnomAD compares: Non-Finnish European, 0.00017%; no homozygotes.

Submissions (2):

Women's Health and Genetics/Laboratory Corporation of America, LabCorp
Classification: Uncertain significance. Last evaluated: 2025-04-21. Review status: criteria provided, single submitter. Criteria: LabCorp Variant Classification Summary - May 2015. Collection method: clinical testing. Allele origin: germline.
Comment: Variant summary: BTD c.1252T>C (p.Tyr418His) results in a conservative amino acid change in the encoded protein sequence. Two of three in-silico tools predict a damaging effect of the variant on protein function. The variant was absent in 251424 control chromosomes. The available data on variant occurrences in the general population are insufficient to allow any conclusion about variant significance. To our knowledge, no occurrence of c.1252T>C in individuals affected with Biotinidase Deficiency and no experimental evidence demonstrating its impact on protein function have been reported. ClinVar contains an entry for this variant (Variation ID: 2744068). Based on the evidence outlined above, the variant was classified as uncertain significance.

Labcorp Genetics (formerly Invitae), Labcorp
Classification: Likely pathogenic for Biotinidase deficiency. Last evaluated: 2023-05-27. Review status: criteria provided, single submitter. Criteria: Invitae Variant Classification Sherloc (09022015). Collection method: clinical testing. Allele origin: germline.
Comment: This variant disrupts the p.Tyr438 amino acid residue in BTD. Other variant(s) that disrupt this residue have been determined to be pathogenic (PMID: 12359137, 28649539). This suggests that this residue is clinically significant, and that variants that disrupt this residue are likely to be disease-causing. This sequence change replaces tyrosine, which is neutral and polar, with histidine, which is basic and polar, at codon 438 of the BTD protein (p.Tyr438His). This variant is present in population databases (no rsID available, gnomAD 0.007%). This variant has not been reported in the literature in individuals affected with BTD-related conditions. Advanced modeling of protein sequence and biophysical properties (such as structural, functional, and spatial information, amino acid conservation, physicochemical variation, residue mobility, and thermodynamic stability) performed at Invitae indicates that this missense variant is expected to disrupt BTD protein function. In summary, the currently available evidence indicates that the variant is pathogenic, but additional data are needed to prove that conclusively. Therefore, this variant has been classified as Likely Pathogenic.

Literature cited by the submitters: PubMed 12359137 (cited by Labcorp Genetics (formerly Invitae), Labcorp); PubMed 28649539 (cited by Labcorp Genetics (formerly Invitae), Labcorp).